The following is an entry in ClinVar:

NM_015215.4(CAMTA1):c.2812G>A (p.Ala938Thr)

Gene: CAMTA1 (calmodulin binding transcription activator 1; plus strand). Cytogenetic location: 1p36.23.
Variant type: single nucleotide variant.
Coding change: c.2812G>A on transcript NM_015215.4 (MANE Select); coding-DNA position 2812, G replaced by A.
Protein change: p.Ala938Thr; replaces alanine 938 with threonine.
Molecular consequence: missense variant. On other transcripts: 5 prime UTR variant (6).
Genome position (GRCh38, 1-based): chr1:7,677,631, G>A. VCF-style: chr1-7677631-G-A. GRCh37 (hg19) VCF-style: chr1-7737691-G-A.
Other names: c.2722G>A, p.Ala908Thr (NM_001349608.2, NM_001349612.2); c.2812G>A, p.Ala938Thr (NM_001349609.2, NM_001349610.2, NM_001410737.1); c.-117G>A (NM_001349614.1, NM_001349617.1, NM_001349620.1 and 3 more transcripts); c.2740G>A, p.Ala914Thr (NM_001410738.1); short protein forms A908T, A914T, A938T.
Identifiers: ClinVar variation 3375696 (VCV003375696.1).

ClinVar aggregate classification (germline): Uncertain significance (1 of 4 stars; one submission).

Submission:

GeneDx
Classification: Uncertain significance. Last evaluated: 2024-05-09. Review status: criteria provided, single submitter. Criteria: GeneDx Variant Classification Process June 2021. Collection method: clinical testing. Allele origin: germline. Affected: yes.
Comment: Not observed at significant frequency in large population cohorts (gnomAD); In silico analysis supports that this missense variant has a deleterious effect on protein structure/function; Has not been previously published as pathogenic or benign to our knowledge